The following is an entry in ClinVar:

ClinVar aggregate classification (germline): Uncertain significance. Review status: criteria provided, multiple submitters, no conflicts (2 of 4 stars). 7 submissions from 7 submitters: Uncertain significance (7). Last evaluated 2026-01-05.

Conditions:
Hereditary cancer-predisposing syndrome. Also called: Neoplastic Syndromes, Hereditary; Tumor predisposition; Hereditary Cancer Syndrome; Hereditary neoplastic syndrome. Identifiers: Orphanet 140162, MedGen C0027672, MeSH D009386, MONDO:0015356.
Colorectal cancer, susceptibility to, 12 (CRCS12). Also called: COLORECTAL CANCER, SUSCEPTIBILITY TO, ON CHROMOSOME 12q24. Identifiers: Orphanet 220460, MedGen C3554460, MONDO:0014038, OMIM 615083.

Allele frequency attached by ClinVar (database versions not stated): gnomAD exomes 0.00001 and 0.00002; ExAC 0.00002; gnomAD 0.00002; ESP Exome Variant Server 0.00008.
gnomAD v4.1: 24 of 1,613,796 alleles (0.0015%); highest among the groups gnomAD compares: Admixed American, 0.005%; no homozygotes.

Submissions (7):

Labcorp Genetics (formerly Invitae), Labcorp
Classification: Uncertain significance. Last evaluated: 2026-01-05. Review status: criteria provided, single submitter. Criteria: Invitae Variant Classification Sherloc (09022015). Collection method: clinical testing. Allele origin: germline.
Comment: This sequence change replaces alanine, which is neutral and non-polar, with valine, which is neutral and non-polar, at codon 426 of the POLE protein (p.Ala426Val). This variant is present in population databases (rs374920539, gnomAD 0.006%). This missense change has been observed in individual(s) with renal and colorectal cancer (PMID: 32792570). ClinVar contains an entry for this variant (Variation ID: 484437). Invitae Evidence Modeling of protein sequence and biophysical properties (such as structural, functional, and spatial information, amino acid conservation, physicochemical variation, residue mobility, and thermodynamic stability) indicates that this missense variant is expected to disrupt POLE protein function with a positive predictive value of 80%. Experimental studies have shown that this missense change affects POLE function (PMID: 32792570). In summary, the available evidence is currently insufficient to determine the role of this variant in disease. Therefore, it has been classified as a Variant of Uncertain Significance.

Women's Health and Genetics/Laboratory Corporation of America, LabCorp
Classification: Uncertain significance. Last evaluated: 2025-11-03. Review status: criteria provided, single submitter. Criteria: LabCorp Variant Classification Summary - May 2015. Collection method: clinical testing. Allele origin: germline.
Comment: Variant summary: POLE c.1277C>T (p.Ala426Val) results in a non-conservative amino acid change in the encoded protein sequence. Algorithms developed to predict the effect of missense changes on protein structure and function are either unavailable or do not agree on the potential impact of this missense change. The variant allele was found at a frequency of 1.6e-05 in 251308 control chromosomes. The available data on variant occurrences in the general population are insufficient to allow any conclusion about variant significance. c.1277C>T has been observed in individuals affected with colorectal and renal cancer or small cell lung cancer without clear evidence for causality (Mur_2020, Ul Haq_2024). These report(s) do not provide unequivocal conclusions about association of the variant with Facial Dysmorphism, Immunodeficiency, Livedo, And Short Stature. To our knowledge, no experimental evidence demonstrating an impact on protein function has been reported. The following publications have been ascertained in the context of this evaluation (PMID: 32792570, 39564094). ClinVar contains an entry for this variant (Variation ID: 484437). Based on the evidence outlined above, the variant was classified as uncertain significance.

Ambry Genetics
Classification: Uncertain significance for Hereditary cancer-predisposing syndrome. Last evaluated: 2025-06-06. Review status: criteria provided, single submitter. Criteria: Ambry Variant Classification Scheme 2023. Collection method: clinical testing. Allele origin: germline.
Comment: The p.A426V variant (also known as c.1277C>T), located in coding exon 13 of the POLE gene, results from a C to T substitution at nucleotide position 1277. The alanine at codon 426 is replaced by valine, an amino acid with similar properties. This variant was identified in 1/2813 unrelated individuals undergoing multigene panel testing for hereditary cancer (Mur P et al. Genet Med, 2020 Dec;22:2089-2100). This amino acid position is highly conserved in available vertebrate species. In addition, this alteration is predicted to be tolerated by in silico analysis. Based on the available evidence, the clinical significance of this variant remains unclear.

Center for Genomic Medicine, Rigshospitalet, Copenhagen University Hospital
Classification: Uncertain significance. Last evaluated: 2025-03-04. Review status: criteria provided, single submitter. Criteria: ACMG Guidelines, 2015. Collection method: clinical testing. Allele origin: germline.

Baylor Genetics
Classification: Uncertain significance for Colorectal cancer, susceptibility to, 12. Last evaluated: 2024-03-14. Review status: criteria provided, single submitter. Criteria: ACMG Guidelines, 2015. Collection method: clinical testing. Allele origin: unknown.

GeneDx
Classification: Uncertain significance. Last evaluated: 2024-01-02. Review status: criteria provided, single submitter. Criteria: GeneDx Variant Classification Process June 2021. Collection method: clinical testing. Allele origin: germline. Affected: yes.
Comment: Observed in an individual with colorectal cancer, renal cancer, and polyps (PMID: 32792570); Published functional studies demonstrate a damaging effect on exonuclease repair activity (PMID: 32792570); In silico analysis supports that this missense variant has a deleterious effect on protein structure/function; This variant is associated with the following publications: (PMID: 11988770, 20951805, 25224212, 32792570)

Sema4
Classification: Uncertain significance for Hereditary cancer-predisposing syndrome. Last evaluated: 2021-12-13. Review status: criteria provided, single submitter. Criteria: Sema4 Curation Guidelines. Collection method: curation. Allele origin: germline.
Comment: The POLE c.1277C>T (p.A426V) variant has been reported in heterozygosity in at least 1 individual with colorectal and renal cancer (PMID: 32792570). This variant was observed in 2/35426 chromosomes in the Latino/Admixed American population, according to the Genome Aggregation Database (PMID: 32461654). This variant has been reported in ClinVar (Variation ID: 484437). Functional studies have not been performed, and in silico predictions of the variant's effect on protein function are inconclusive. Based on the current evidence available, this variant is interpreted as a variant of uncertain significance.

Literature cited by the submitters: PubMed 32792570 (cited by 5 submitters); PubMed 39564094 (cited by Women's Health and Genetics/Laboratory Corporation of America, LabCorp).

NM_006231.4(POLE):c.1277C>T (p.Ala426Val)

Gene: POLE (DNA polymerase epsilon, catalytic subunit; minus strand). Cytogenetic location: 12q24.33.
Variant type: single nucleotide variant.
Coding change: c.1277C>T on transcript NM_006231.4 (MANE Select); coding-DNA position 1277, C replaced by T.
Protein change: p.Ala426Val; replaces alanine 426 with valine.
Molecular consequence: missense variant.
Genome position (GRCh38, 1-based): chr12:132,673,657, G>A on the plus strand (C>T on the coding strand, the complement: POLE is on the minus strand). VCF-style: chr12-132673657-G-A. GRCh37 (hg19) VCF-style: chr12-133250243-G-A.
Other names: short protein forms A426V.
Identifiers: ClinVar variation 484437 (VCV000484437.22), dbSNP rs374920539, ClinGen allele CA6894018.